The following is an entry in ClinVar:

ClinVar aggregate classification (germline): Uncertain significance (1 of 4 stars; one submission).

Allele frequency attached by ClinVar (database versions not stated): gnomAD exomes below 0.00001.
gnomAD v4.1: 1 of 1,587,348 alleles (0.000063%); highest among the groups gnomAD compares: Non-Finnish European, 0.000085%; no homozygotes.

Submission:

Labcorp Genetics (formerly Invitae), Labcorp
Classification: Uncertain significance. Last evaluated: 2022-06-01. Review status: criteria provided, single submitter. Criteria: Invitae Variant Classification Sherloc (09022015). Collection method: clinical testing. Allele origin: germline.
Comment: In summary, the available evidence is currently insufficient to determine the role of this variant in disease. Therefore, it has been classified as a Variant of Uncertain Significance. Algorithms developed to predict the effect of missense changes on protein structure and function are either unavailable or do not agree on the potential impact of this missense change (SIFT: "Tolerated"; PolyPhen-2: "Probably Damaging"; Align-GVGD: "Class C0"). This variant has not been reported in the literature in individuals affected with TAOK2-related conditions. This variant is not present in population databases (gnomAD no frequency). This sequence change replaces phenylalanine, which is neutral and non-polar, with valine, which is neutral and non-polar, at codon 957 of the TAOK2 protein (p.Phe957Val).

NM_016151.4(TAOK2):c.2869T>G (p.Phe957Val)

Gene: TAOK2 (TAO kinase 2; plus strand). Cytogenetic location: 16p11.2.
Variant type: single nucleotide variant.
Coding change: c.2869T>G on transcript NM_016151.4 (MANE Select); coding-DNA position 2869, T replaced by G.
Protein change: p.Phe957Val; replaces phenylalanine 957 with valine.
Molecular consequence: missense variant. On other transcripts: intron variant (1).
Genome position (GRCh38, 1-based): chr16:29,987,141, T>G. VCF-style: chr16-29987141-T-G. GRCh37 (hg19) VCF-style: chr16-29998462-T-G.
Other names: c.2530T>G, p.Phe844Val (NM_001252043.2); c.2232+637T>G (NM_004783.4); short protein forms F844V, F957V.
Identifiers: ClinVar variation 2001851 (VCV002001851.4), dbSNP rs2543667700, ClinGen allele CA395496933.
Genomic context (GRCh38, chr16:29,987,141, plus strand): 5'-CCCTGCCCTGCCAGCCAGCTCCCTGGACTCCTGTCCCATGGCCTCCTGGCCGGCCTCTCC[T>G]TTGCAGTGGGGTCCTCCTCTGGCCTCCTGCCCCTCCTGCTGCTGCTGCTGCTTCCATTGC-3'
Protein context (NP_057235.2, residues 947-967): LSHGLLAGLS[Phe957Val]AVGSSSGLLP